The following is an entry in ClinVar:

NM_001375567.1(FOCAD):c.4729-7_4729-5del

Gene: FOCAD (focadhesin; plus strand). Cytogenetic location: 9p21.3.
Variant type: Deletion.
Coding change: c.4729-7_4729-5del on transcript NM_001375567.1 (MANE Select); 7 bases into the intron before coding-DNA position 4729 through 5 bases into the intron before coding-DNA position 4729, 3 bases deleted (TTT; older notation c.4729-7_4729-5delTTT).
Molecular consequence: intron variant.
Genome position (GRCh38, 1-based): chr9:20,986,281-20,986,283, TTT deleted; deleting any 3 consecutive bases within chr9:20,986,267-20,986,283 gives the same sequence; the c. name uses the placement nearest the transcript's 3' end. VCF-style (leftmost placement, unchanged base first): chr9-20986266-ATTT-A. GRCh37 (hg19) VCF-style: chr9-20986265-ATTT-A.
Other names: c.4729-7_4729-5del (NM_017794.5); c.4624-7_4624-5del (NM_001375568.1, NM_001375570.1).
Identifiers: ClinVar variation 4990217 (VCV004990217.1).

ClinVar aggregate classification (germline): Likely benign (1 of 4 stars; one submission).

Conditions:
FOCAD-related disorder. Also called: FOCAD-related condition.

Submission:

PreventionGenetics, part of Exact Sciences
Classification: Likely benign for FOCAD-related condition. Last evaluated: 2026-03-20. Review status: criteria provided, single submitter. Criteria: ACMG Guidelines, 2015. Collection method: clinical testing. Allele origin: germline.
Comment: This variant is classified as likely benign based on ACMG/AMP sequence variant interpretation guidelines (Richards et al. 2015 PMID: 25741868, with internal and published modifications).